The following is an entry in ClinVar:

NM_000179.3(MSH6):c.309C>T (p.Tyr103=)

Gene: MSH6 (mutS homolog 6; plus strand). Cytogenetic location: 2p16.3.
Variant type: single nucleotide variant.
Coding change: c.309C>T on transcript NM_000179.3 (MANE Select); coding-DNA position 309, C replaced by T.
Protein change: p.Tyr103=; no amino-acid change (tyrosine 103 retained).
Molecular consequence: synonymous variant. On other transcripts: 5 prime UTR variant (2), intron variant (1).
Genome position (GRCh38, 1-based): chr2:47,790,975, C>T. VCF-style: chr2-47790975-C-T. GRCh37 (hg19) VCF-style: chr2-48018114-C-T.
Other names: c.-428C>T (NM_001281493.2); c.-594C>T (NM_001281494.2); c.237+7505C>T (NM_001281492.2).
Identifiers: ClinVar variation 483805 (VCV000483805.18), dbSNP rs1553410230, ClinGen allele CA425989169.

ClinVar aggregate classification (germline): Benign/Likely benign. Review status: criteria provided, multiple submitters, no conflicts (2 of 4 stars). 4 submissions from 4 submitters: Benign (1); Likely benign (3). Last evaluated 2025-02-07.

Conditions:
Hereditary nonpolyposis colorectal neoplasms. Identifiers: MedGen C0009405, MeSH D003123.
Lynch syndrome 5 (LYNCH5). Also called: Colorectal cancer, hereditary nonpolyposis, type 5; Hereditary non-polyposis colorectal cancer, type 5. Identifiers: Orphanet 144, MedGen C1833477, MONDO:0013710, OMIM 614350. Disease mechanism: loss of function.
Hereditary cancer-predisposing syndrome. Also called: Neoplastic Syndromes, Hereditary; Tumor predisposition; Hereditary Cancer Syndrome; Hereditary neoplastic syndrome. Identifiers: Orphanet 140162, MedGen C0027672, MeSH D009386, MONDO:0015356.

Allele frequency attached by ClinVar (database versions not stated): gnomAD exomes below 0.00001.
gnomAD v4.1: 1 of 1,614,210 alleles (0.000062%); no homozygotes.

Submissions (4):

Labcorp Genetics (formerly Invitae), Labcorp
Classification: Likely benign for Hereditary nonpolyposis colorectal neoplasms. Last evaluated: 2025-02-07. Review status: criteria provided, single submitter. Criteria: Invitae Variant Classification Sherloc (09022015). Collection method: clinical testing. Allele origin: germline.

Myriad Genetics, Inc.
Classification: Benign for Lynch syndrome 5. Last evaluated: 2024-12-18. Review status: criteria provided, single submitter. Criteria: Myriad Autosomal Dominant, Autosomal Recessive and X-Linked Classification Criteria (2023). Collection method: clinical testing. Allele origin: unknown.
Comment: This variant is considered benign. This variant is a silent/synonymous amino acid change and it is not expected to impact splicing.

Color Diagnostics, LLC DBA Color Health
Classification: Likely benign for Hereditary cancer-predisposing syndrome. Last evaluated: 2019-10-31. Review status: criteria provided, single submitter. Criteria: ACMG Guidelines, 2015. Collection method: clinical testing. Allele origin: germline.

Ambry Genetics
Classification: Likely benign for Hereditary cancer-predisposing syndrome. Last evaluated: 2016-06-20. Review status: criteria provided, single submitter. Criteria: Ambry Variant Classification Scheme 2023. Collection method: clinical testing. Allele origin: germline.